The following is an entry in ClinVar:

ClinVar aggregate classification (germline): Uncertain significance (1 of 4 stars; one submission).

Allele frequency attached by ClinVar (database versions not stated): TOPMed 0.00001; gnomAD exomes below 0.00001.
gnomAD v4.1: 4 of 1,614,120 alleles (0.00025%); highest among the groups gnomAD compares: Admixed American, 0.0033%; no homozygotes.

Submission:

GeneDx
Classification: Uncertain significance. Last evaluated: 2020-03-04. Review status: criteria provided, single submitter. Criteria: GeneDx Variant Classification Process June 2021. Collection method: clinical testing. Allele origin: germline. Affected: yes.
Comment: Not observed at a significant frequency in large population cohorts (Lek et al., 2016); In silico analysis supports that this missense variant does not alter protein structure/function; Has not been previously published as pathogenic or benign to our knowledge

NM_012434.5(SLC17A5):c.1220C>T (p.Ser407Phe)

Gene: SLC17A5 (solute carrier family 17 member 5; minus strand). Cytogenetic location: 6q13.
Variant type: single nucleotide variant.
Coding change: c.1220C>T on transcript NM_012434.5 (MANE Select); coding-DNA position 1220, C replaced by T.
Protein change: p.Ser407Phe; replaces serine 407 with phenylalanine.
Molecular consequence: missense variant.
Genome position (GRCh38, 1-based): chr6:73,610,439, G>A on the plus strand (C>T on the coding strand, the complement: SLC17A5 is on the minus strand). VCF-style: chr6-73610439-G-A. GRCh37 (hg19) VCF-style: chr6-74320162-G-A.
Other names: c.989C>T, p.Ser330Phe (NM_001382629.1); c.1220C>T, p.Ser407Phe (NM_001382630.1, NM_001382633.1); c.1241C>T, p.Ser414Phe (NM_001382631.1); c.1133C>T, p.Ser378Phe (NM_001382632.1); c.1061C>T, p.Ser354Phe (NM_001382634.1); c.1217C>T, p.Ser406Phe (NM_001382635.1); c.902C>T, p.Ser301Phe (NM_001382636.1); short protein forms S301F, S330F, S354F, S378F, S406F, S407F, S414F.
Identifiers: ClinVar variation 1315248 (VCV001315248.2), dbSNP rs1265357673, ClinGen allele CA364720962.